The following is an entry in ClinVar:

NM_183075.3(CYP2U1):c.734A>G (p.Asn245Ser)

Gene: CYP2U1 (cytochrome P450 family 2 subfamily U member 1; plus strand). Cytogenetic location: 4q25.
Variant type: single nucleotide variant.
Coding change: c.734A>G on transcript NM_183075.3 (MANE Select); coding-DNA position 734, A replaced by G.
Protein change: p.Asn245Ser; replaces asparagine 245 with serine.
Molecular consequence: missense variant.
Genome position (GRCh38, 1-based): chr4:107,945,213, A>G. VCF-style: chr4-107945213-A-G. GRCh37 (hg19) VCF-style: chr4-108866369-A-G.
Other names: short protein forms N245S.
Identifiers: ClinVar variation 2155085 (VCV002155085.1), dbSNP rs2477022563, ClinGen allele CA357836837.

ClinVar aggregate classification (germline): Uncertain significance (1 of 4 stars; one submission).

Conditions:
Spastic paraplegia. Identifiers: MedGen C0037772, HP:0001258.

gnomAD v4.1: 3 of 1,614,128 alleles (0.00019%); no homozygotes.

Submission:

Labcorp Genetics (formerly Invitae), Labcorp
Classification: Uncertain significance for Spastic paraplegia. Last evaluated: 2022-08-16. Review status: criteria provided, single submitter. Criteria: Invitae Variant Classification Sherloc (09022015). Collection method: clinical testing. Allele origin: germline.
Comment: This sequence change replaces asparagine, which is neutral and polar, with serine, which is neutral and polar, at codon 245 of the CYP2U1 protein (p.Asn245Ser). This variant is not present in population databases (gnomAD no frequency). This variant has not been reported in the literature in individuals affected with CYP2U1-related conditions. Advanced modeling of protein sequence and biophysical properties (such as structural, functional, and spatial information, amino acid conservation, physicochemical variation, residue mobility, and thermodynamic stability) performed at Invitae indicates that this missense variant is not expected to disrupt CYP2U1 protein function. Algorithms developed to predict the effect of sequence changes on RNA splicing suggest that this variant may disrupt the consensus splice site. In summary, the available evidence is currently insufficient to determine the role of this variant in disease. Therefore, it has been classified as a Variant of Uncertain Significance.